The following is an entry in ClinVar:

ClinVar aggregate classification (germline): Uncertain significance (1 of 4 stars; one submission).

Conditions:
Cardiovascular phenotype. Identifiers: MedGen CN230736.

gnomAD v4.1: 1 of 1,550,844 alleles (0.000064%); highest among the groups gnomAD compares: Non-Finnish European, 0.000087%; no homozygotes.

Submission:

Ambry Genetics
Classification: Uncertain significance for Cardiovascular phenotype. Last evaluated: 2025-08-13. Review status: criteria provided, single submitter. Criteria: Ambry Variant Classification Scheme 2023. Collection method: clinical testing. Allele origin: germline.
Comment: The p.D770A variant (also known as c.2309A>C) is located in coding exon 24 of the MYBPC3 gene. The aspartic acid at codon 770 is replaced by alanine, an amino acid with dissimilar properties. This change occurs in the first base pair of coding exon 24. This amino acid position is highly conserved in available vertebrate species. In addition, the in silico prediction for this alteration is inconclusive. Based on the available evidence, the clinical significance of this variant remains unclear.

NM_000256.3(MYBPC3):c.2309A>C (p.Asp770Ala)

Gene: MYBPC3 (myosin binding protein C3; minus strand). Cytogenetic location: 11p11.2.
Variant type: single nucleotide variant.
Coding change: c.2309A>C on transcript NM_000256.3 (MANE Select); coding-DNA position 2309, A replaced by C.
Protein change: p.Asp770Ala; replaces aspartic acid 770 with alanine.
Molecular consequence: missense variant.
Genome position (GRCh38, 1-based): chr11:47,337,794, T>G on the plus strand (A>C on the coding strand, the complement: MYBPC3 is on the minus strand). VCF-style: chr11-47337794-T-G. GRCh37 (hg19) VCF-style: chr11-47359345-T-G.
Other names: short protein forms D770A.
Identifiers: ClinVar variation 4114328 (VCV004114328.1).